The following is an entry in ClinVar:

NM_175914.5(HNF4A):c.50-4589G>A

Gene: HNF4A (hepatocyte nuclear factor 4 alpha; plus strand). Cytogenetic location: 20q13.12.
Variant type: single nucleotide variant.
Coding change: c.50-4589G>A on transcript NM_175914.5 (MANE Select); 4589 bases into the intron before coding-DNA position 50, G replaced by A.
Molecular consequence: intron variant. On other transcripts: missense variant (3), 5 prime UTR variant (1).
Genome position (GRCh38, 1-based): chr20:44,401,469, G>A. VCF-style: chr20-44401469-G-A. GRCh37 (hg19) VCF-style: chr20-43030109-G-A.
Other names: c.97G>A, p.Val33Met (NM_000457.6, NM_178849.3, NM_178850.3); c.-16G>A (NM_001258355.2); c.41-4589G>A (NM_001287182.2, NM_001287183.2, NM_001287184.2); c.50-4589G>A (NM_001030003.3, NM_001030004.3); short protein forms V33M.
Identifiers: ClinVar variation 2502186 (VCV002502186.2), dbSNP rs1170574009, ClinGen allele CA409103270.

ClinVar aggregate classification (germline): Uncertain significance (1 of 4 stars; one submission).

Conditions:
Maturity-onset diabetes of the young type 1. Also called: MILD JUVENILE DIABETES MELLITUS; MODY type 1; Diabetes mellitus MODY type 1; MODY HNF4A related; HNF4A-Related Maturity-Onset Diabetes of the Young Type 1; MODY, type I. Identifiers: Orphanet 552, MedGen C1852093, MONDO:0007452, OMIM 125850. Disease mechanism: loss of function.
Type 2 diabetes mellitus. Also called: Type II diabetes mellitus. Identifiers: MedGen C0011860, MeSH D003924, MONDO:0005148, OMIM 125853, HP:0005978.

Allele frequency attached by ClinVar (database versions not stated): gnomAD exomes below 0.00001; gnomAD 0.00001.

Submission:

New York Genome Center
Classification: Uncertain significance for Maturity-onset diabetes of the young type 1; Type 2 diabetes mellitus. Last evaluated: 2022-06-17. Review status: criteria provided, single submitter. Criteria: NYGC Assertion Criteria 2020. Collection method: clinical testing. Allele origin: germline. Observed: 1 heterozygote.
Comment: The c.97G>A p.(Val33Met) variant in the HNF4A gene has not previously been reported in the literature or public variant repositories (ClinVar and LOVD). The c.97G>A variant is observed in 3 alleles (~0.001% minor allele frequency with 0 homozygotes) in population databases (gnomAD v2.1.1 andv3.1.2, TOPMed Freeze 8), suggesting it is not a common benign variant in the populations represented in those databases. The c.97G>A variant in HNF4A is located in exon 1 of this 10-exon gene, and predicted to replace a moderately conserved Valine amino acid with Methionine at position 33 of the encoded protein. In silico predictions are inconclusive of the variant's effect [(CADD v1.6 = 26.3, REVEL = 0.336)]; however, there are no functional studies to support or refute these predictions. Based on available evidence this c.97G>A p.(Val33Met) variant identified in HNF4A is classified as a Variant of Uncertain Significance.